The following is an entry in ClinVar:

ClinVar aggregate classification (germline): Likely pathogenic (1 of 4 stars; one submission).

Conditions:
Central core myopathy (CMYO1A). Also called: CONGENITAL MYOPATHY 1A, AUTOSOMAL DOMINANT, WITH SUSCEPTIBILITY TO MALIGNANT HYPERTHERMIA; Central core disease; Myopathy, central fibrillar. Identifiers: Orphanet 597, MedGen C5830701, MONDO:0007294, OMIM 117000.

Submission:

Laboratory for Molecular Medicine, Mass General Brigham Personalized Medicine
Classification: Likely pathogenic for Central core myopathy. Last evaluated: 2023-02-02. Review status: criteria provided, single submitter. Criteria: ACMG Guidelines, 2015. Collection method: clinical testing. Allele origin: germline.
Comment: The p.Cys2656X variant in RYR1 has not been reported in individuals with RYR1 related myopathies and was absent from large population databases. This nonsense variant leads to a premature termination codon at position 2656, which is predicted to lead to a truncated or absent protein. Loss of function of the RYR1 gene is an established disease mechanism for autosomal recessive RYR1 related myopathies. In summary, although additional studies are required to fully establish its clinical significance, this variant meets criteria to be classified as likely pathogenic for autosomal recessive RYR1 related myopathies. ACMG/AMP criteria applied: PVS1, PM2_Supporting.

NM_000540.3(RYR1):c.7968C>A (p.Cys2656Ter)

Gene: RYR1 (ryanodine receptor 1; plus strand). Cytogenetic location: 19q13.2.
Variant type: single nucleotide variant.
Coding change: c.7968C>A on transcript NM_000540.3 (MANE Select); coding-DNA position 7968, C replaced by A.
Protein change: p.Cys2656Ter; replaces cysteine 2656 with a stop codon.
Molecular consequence: nonsense.
Genome position (GRCh38, 1-based): chr19:38,504,261, C>A. VCF-style: chr19-38504261-C-A. GRCh37 (hg19) VCF-style: chr19-38994901-C-A.
Other names: c.7968C>A, p.Cys2656Ter (NM_001042723.2); short protein forms C2656*.
Identifiers: ClinVar variation 3075936 (VCV003075936.1), dbSNP rs1305053560, ClinGen allele CA405675652.
Genomic context (GRCh38, chr19:38,504,261, plus strand): 5'-CCCTCTTGTTCCCACCCAGCTCCTCACCAACCACTATGAGCGCTGTTGGAAGTACTACTG[C>A]CTACCCACGGGCTGGGCCAACTTCGGGGTCACCTCAGAGGAGGAGCTGCACCTCACACGG-3'